The following is an entry in ClinVar:

ClinVar aggregate classification (germline): Uncertain significance (1 of 4 stars; one submission).

Conditions:
Joubert syndrome. Also called: CEREBELLOPARENCHYMAL DISORDER IV; JOUBERT-BOLTSHAUSER SYNDROME; Familial aplasia of the vermis. Identifiers: Orphanet 475, MedGen C5979921, MONDO:0018772.
Meckel-Gruber syndrome. Also called: DYSENCEPHALIA SPLANCHNOCYSTICA; GRUBER SYNDROME; Dysencephalia splachnocystica. Identifiers: Orphanet 564, MedGen C0265215, MONDO:0018921.

Allele frequency attached by ClinVar (database versions not stated): gnomAD exomes below 0.00001; ExAC 0.00002.
gnomAD v4.1: 6 of 1,612,930 alleles (0.00037%); highest among the groups gnomAD compares: South Asian, 0.0066%; no homozygotes.

Submission:

Labcorp Genetics (formerly Invitae), Labcorp
Classification: Uncertain significance for Joubert syndrome; Meckel-Gruber syndrome. Last evaluated: 2022-04-28. Review status: criteria provided, single submitter. Criteria: Invitae Variant Classification Sherloc (09022015). Collection method: clinical testing. Allele origin: germline.
Comment: This variant is present in population databases (rs781015615, gnomAD 0.01%). This sequence change falls in intron 16 of the TMEM67 gene. It does not directly change the encoded amino acid sequence of the TMEM67 protein. Algorithms developed to predict the effect of sequence changes on RNA splicing suggest that this variant may disrupt the consensus splice site. This variant has not been reported in the literature in individuals affected with TMEM67-related conditions. In summary, the available evidence is currently insufficient to determine the role of this variant in disease. Therefore, it has been classified as a Variant of Uncertain Significance.

NM_153704.6(TMEM67):c.1675-6T>C

Gene: TMEM67 (transmembrane protein 67; plus strand). Cytogenetic location: 8q22.1.
Variant type: single nucleotide variant.
Coding change: c.1675-6T>C on transcript NM_153704.6 (MANE Select); 6 bases into the intron before coding-DNA position 1675, T replaced by C.
Molecular consequence: intron variant.
Genome position (GRCh38, 1-based): chr8:93,795,403, T>C. VCF-style: chr8-93795403-T-C. GRCh37 (hg19) VCF-style: chr8-94807631-T-C.
Other names: c.1432-6T>C (NM_001142301.1).
Identifiers: ClinVar variation 2131115 (VCV002131115.4), dbSNP rs781015615, ClinGen allele CA4808058.
Genomic context (GRCh38, chr8:93,795,403, plus strand): 5'-AGTGTTACTAAAAGTGGTATATACATGGAGTCTTAAACAGCTGTAATTCTTTTTTTTAAA[T>C]TGCAGACAGTTGTGAAATTCTTGGTGTACTATGCTGGTGATCTGGCCAATGTTTTCTTTA-3'